The following is an entry in ClinVar:

ClinVar aggregate classification (germline): Uncertain significance. Review status: criteria provided, multiple submitters, no conflicts (2 of 4 stars). 2 submissions from 2 submitters: Uncertain significance (2). Last evaluated 2025-12-11.

Allele frequency attached by ClinVar (database versions not stated): gnomAD exomes 0.00001; TOPMed 0.00013; gnomAD 0.00015; 1000 Genomes Project 30x 0.00016; 1000 Genomes Project 0.00020.
gnomAD v4.1: 33 of 1,564,852 alleles (0.0021%); highest among the groups gnomAD compares: African/African-American, 0.041%; no homozygotes.

Submissions (2):

Labcorp Genetics (formerly Invitae), Labcorp
Classification: Uncertain significance. Last evaluated: 2025-12-11. Review status: criteria provided, single submitter. Criteria: Invitae Variant Classification Sherloc (09022015). Collection method: clinical testing. Allele origin: germline.
Comment: This sequence change replaces serine, which is neutral and polar, with threonine, which is neutral and polar, at codon 64 of the TGFB1 protein (p.Ser64Thr). This variant is present in population databases (rs533204331, gnomAD 0.05%). This variant has not been reported in the literature in individuals affected with TGFB1-related conditions. ClinVar contains an entry for this variant (Variation ID: 1977671). Invitae Evidence Modeling of protein sequence and biophysical properties (such as structural, functional, and spatial information, amino acid conservation, physicochemical variation, residue mobility, and thermodynamic stability) indicates that this missense variant is not expected to disrupt TGFB1 protein function with a negative predictive value of 80%. In summary, the available evidence is currently insufficient to determine the role of this variant in disease. Therefore, it has been classified as a Variant of Uncertain Significance.

Blueprint Genetics
Classification: Uncertain significance. Last evaluated: 2018-10-26. Review status: criteria provided, single submitter. Criteria: ACMG Guidelines, 2015. Collection method: clinical testing. Allele origin: germline.

NM_000660.7(TGFB1):c.191G>C (p.Ser64Thr)

Genes: TGFB1 (transforming growth factor beta 1; minus strand), LOC130064510 (ATAC-STARR-seq lymphoblastoid silent region 10661; plus strand). Cytogenetic location: 19q13.2.
Variant type: single nucleotide variant.
Coding change: c.191G>C on transcript NM_000660.7 (MANE Select); coding-DNA position 191, G replaced by C.
Protein change: p.Ser64Thr; replaces serine 64 with threonine.
Molecular consequence: missense variant.
Genome position (GRCh38, 1-based): chr19:41,352,854, C>G on the plus strand (G>C on the coding strand, the complement: TGFB1 is on the minus strand). VCF-style: chr19-41352854-C-G. GRCh37 (hg19) VCF-style: chr19-41858759-C-G.
Other names: short protein forms S64T.
Identifiers: ClinVar variation 1977671 (VCV001977671.6), dbSNP rs533204331, ClinGen allele CA9460164.